The following is an entry in ClinVar:

ClinVar aggregate classification (germline): Uncertain significance (1 of 4 stars; one submission).

Allele frequency attached by ClinVar (database versions not stated): gnomAD 0.00001; gnomAD exomes 0.00001; TOPMed 0.00001.
gnomAD v4.1: 20 of 1,614,024 alleles (0.0012%); highest among the groups gnomAD compares: African/African-American, 0.0027%; no homozygotes.

Submission:

Labcorp Genetics (formerly Invitae), Labcorp
Classification: Uncertain significance. Last evaluated: 2022-08-22. Review status: criteria provided, single submitter. Criteria: Invitae Variant Classification Sherloc (09022015). Collection method: clinical testing. Allele origin: germline.
Comment: This sequence change replaces valine, which is neutral and non-polar, with isoleucine, which is neutral and non-polar, at codon 1577 of the ABCC8 protein (p.Val1577Ile). This variant is present in population databases (no rsID available, gnomAD 0.003%). This variant has not been reported in the literature in individuals affected with ABCC8-related conditions. Advanced modeling of protein sequence and biophysical properties (such as structural, functional, and spatial information, amino acid conservation, physicochemical variation, residue mobility, and thermodynamic stability) performed at Invitae indicates that this missense variant is not expected to disrupt ABCC8 protein function. In summary, the available evidence is currently insufficient to determine the role of this variant in disease. Therefore, it has been classified as a Variant of Uncertain Significance.

NM_000352.6(ABCC8):c.4729G>A (p.Val1577Ile)

Gene: ABCC8 (ATP binding cassette subfamily C member 8; minus strand). Cytogenetic location: 11p15.1.
Variant type: single nucleotide variant.
Coding change: c.4729G>A on transcript NM_000352.6 (MANE Select); coding-DNA position 4729, G replaced by A.
Protein change: p.Val1577Ile; replaces valine 1577 with isoleucine.
Molecular consequence: missense variant. On other transcripts: non-coding transcript variant (1).
Genome position (GRCh38, 1-based): chr11:17,393,008, C>T on the plus strand (G>A on the coding strand, the complement: ABCC8 is on the minus strand). VCF-style: chr11-17393008-C-T. GRCh37 (hg19) VCF-style: chr11-17414555-C-T.
Other names: c.4732G>A, p.Val1578Ile (NM_001287174.3); c.4795G>A, p.Val1599Ile (NM_001351295.2); c.4729G>A, p.Val1577Ile (NM_001351296.2); c.4726G>A, p.Val1576Ile (NM_001351297.2); short protein forms V1576I, V1577I, V1599I, V1578I.
Identifiers: ClinVar variation 2171714 (VCV002171714.1), dbSNP rs1301774090, ClinGen allele CA379780583.